The following is an entry in ClinVar:

NM_000875.5(IGF1R):c.1290A>C (p.Gln430His)

Gene: IGF1R (insulin like growth factor 1 receptor; plus strand). Cytogenetic location: 15q26.3.
Variant type: single nucleotide variant.
Coding change: c.1290A>C on transcript NM_000875.5 (MANE Select); coding-DNA position 1290, A replaced by C.
Protein change: p.Gln430His; replaces glutamine 430 with histidine.
Molecular consequence: missense variant.
Genome position (GRCh38, 1-based): chr15:98,908,727, A>C. VCF-style: chr15-98908727-A-C. GRCh37 (hg19) VCF-style: chr15-99451956-A-C.
Other names: c.1290A>C, p.Gln430His (NM_001291858.2); short protein forms Q430H.
Identifiers: ClinVar variation 3343423 (VCV003343423.1).
Genomic context (GRCh38, chr15:98,908,727, plus strand): 5'-CGATTTCTGTGCTTCTAGGAATTACTCCTTCTACGTCCTCGACAACCAGAACTTGCAGCA[A>C]CTGTGGGACTGGGACCACCGCAACCTGACCATCAAAGCAGGGAAAATGTACTTTGCTTTC-3'
Protein context (NP_000866.1, residues 420-440): FYVLDNQNLQ[Gln430His]LWDWDHRNLT

ClinVar aggregate classification (germline): Uncertain significance (1 of 4 stars; one submission).

Submission:

GeneDx
Classification: Uncertain significance. Last evaluated: 2023-05-15. Review status: criteria provided, single submitter. Criteria: GeneDx Variant Classification Process June 2021. Collection method: clinical testing. Allele origin: germline. Affected: yes.
Comment: Not observed at significant frequency in large population cohorts (gnomAD); In silico analysis supports that this missense variant has a deleterious effect on protein structure/function; Has not been previously published as pathogenic or benign to our knowledge